The following is an entry in ClinVar:

ClinVar aggregate classification (germline): Benign. Review status: criteria provided, multiple submitters, no conflicts (2 of 4 stars). 11 submissions from 11 submitters: Benign (9). 2 of the submissions do not count toward it. Last evaluated 2026-02-04.

Conditions:
Antley-Bixler syndrome with genital anomalies and disordered steroidogenesis (ABS1). Also called: POR Deficiency. Identifiers: Orphanet 63269, MedGen C3150099, MONDO:0008726, OMIM 201750.
Congenital adrenal hyperplasia due to cytochrome P450 oxidoreductase deficiency. Also called: DISORDERED STEROIDOGENESIS DUE TO POR DEFICIENCY. Identifiers: Orphanet 95699, MedGen C1860042, MONDO:0013310, OMIM 613571.
21-Hydroxylase-Deficient Congenital Adrenal Hyperplasia. Also called: ADRENAL HYPERPLASIA, CONGENITAL, DUE TO 21-HYDROXYLASE DEFICIENCY; ADRENAL HYPERPLASIA III. Identifiers: MedGen C2936858, OMIM 201910.

Allele frequency attached by ClinVar (database versions not stated): gnomAD 0.86727 and 0.87132; ESP Exome Variant Server 0.87290; gnomAD exomes 0.95076; 1000 Genomes Project 30x 0.82870; 1000 Genomes Project 0.83526; TOPMed 0.85526.
gnomAD v4.1: 1,501,502 of 1,592,914 alleles (94%); highest among the groups gnomAD compares: Non-Finnish European, 97%; 711,565 homozygotes.

Submissions (11):

Labcorp Genetics (formerly Invitae), Labcorp
Classification: Benign for Congenital adrenal hyperplasia due to cytochrome P450 oxidoreductase deficiency. Last evaluated: 2026-02-04. Review status: criteria provided, single submitter. Criteria: Invitae Variant Classification Sherloc (09022015). Collection method: clinical testing. Allele origin: germline.

Women's Health and Genetics/Laboratory Corporation of America, LabCorp
Classification: Benign. Last evaluated: 2025-02-08. Review status: criteria provided, single submitter. Criteria: LabCorp Variant Classification Summary - May 2015. Collection method: clinical testing. Allele origin: germline.

Blueprint Genetics
Classification: Benign. Last evaluated: 2024-11-27. Review status: criteria provided, single submitter. Criteria: ACMG Guidelines, 2015. Collection method: clinical testing. Allele origin: germline.

Genome-Nilou Lab
Classification: Benign for Antley-Bixler syndrome with genital anomalies and disordered steroidogenesis. Last evaluated: 2021-10-25. Review status: criteria provided, single submitter. Criteria: ACMG Guidelines, 2015. Collection method: clinical testing. Allele origin: germline. Affected: no.

Illumina Laboratory Services, Illumina
Classification: Benign for Congenital adrenal hyperplasia due to cytochrome P450 oxidoreductase deficiency. Last evaluated: 2018-01-12. Review status: criteria provided, single submitter. Criteria: ICSL Variant Classification Criteria 13 December 2019. Collection method: clinical testing. Allele origin: germline.
Comment: This variant was observed in the ICSL laboratory as part of a predisposition screen in an ostensibly healthy population. It had not been previously curated by ICSL or reported in the Human Gene Mutation Database (HGMD: prior to June 1st, 2018), and was therefore a candidate for classification through an automated scoring system. Utilizing variant allele frequency, disease prevalence and penetrance estimates, and inheritance mode, an automated score was calculated to assess if this variant is too frequent to cause the disease. Based on the score and internal cut-off values, a variant classified as benign is not then subjected to further curation. The score for this variant resulted in a classification of benign for this disease.

GeneDx
Classification: Benign. Last evaluated: 2014-03-21. Review status: criteria provided, single submitter. Criteria: GeneDx Variant Classification (06012015). Collection method: clinical testing. Allele origin: germline. Affected: yes.
Comment: This variant is considered likely benign or benign based on one or more of the following criteria: it is a conservative change, it occurs at a poorly conserved position in the protein, it is predicted to be benign by multiple in silico algorithms, and/or has population frequency not consistent with disease.

Breakthrough Genomics
Classification: Benign. Review status: criteria provided, single submitter. Criteria: ACMG Guidelines, 2015. Collection method: not provided. Allele origin: germline. Inheritance: Autosomal recessive inheritance. Affected: yes.

Pecori Giraldi Lab, University of Milan
Classification: Benign for 21-Hydroxylase-Deficient Congenital Adrenal Hyperplasia. Review status: criteria provided, single submitter. Criteria: ACMG Guidelines, 2015. Collection method: case-control. Allele origin: germline. Affected: yes and no.

PreventionGenetics, part of Exact Sciences
Classification: Benign. Review status: criteria provided, single submitter. Criteria: ACMG Guidelines, 2015. Collection method: clinical testing. Allele origin: germline.

Diagnostic Laboratory, Department of Genetics, University Medical Center Groningen
Classification: Benign. Review status: no assertion criteria provided. Collection method: clinical testing. Allele origin: germline. Affected: yes. Study: VKGL Data-share Consensus. Not counted in ClinVar's aggregate classification.

Joint Genome Diagnostic Labs from Nijmegen and Maastricht, Radboudumc and MUMC+
Classification: Benign. Review status: no assertion criteria provided. Collection method: clinical testing. Allele origin: germline. Affected: yes. Study: VKGL Data-share Consensus. Not counted in ClinVar's aggregate classification.

Literature cited by the submitters: PubMed 33666875 (cited by Pecori Giraldi Lab, University of Milan); PubMed 27068427 (cited by Pecori Giraldi Lab, University of Milan); PubMed 21070833 (cited by Pecori Giraldi Lab, University of Milan); PubMed 24847272 (cited by Pecori Giraldi Lab, University of Milan).

NM_001395413.1(POR):c.1446T>C (p.Ala482=)

Gene: POR (cytochrome p450 oxidoreductase; plus strand). Cytogenetic location: 7q11.23.
Variant type: single nucleotide variant.
Coding change: c.1446T>C on transcript NM_001395413.1 (MANE Select); coding-DNA position 1446, T replaced by C.
Protein change: p.Ala482=; no amino-acid change (alanine 482 retained).
Molecular consequence: synonymous variant.
Genome position (GRCh38, 1-based): chr7:75,985,635, T>C. VCF-style: chr7-75985635-T-C. GRCh37 (hg19) VCF-style: chr7-75614953-T-C.
Other names: p.A485A:GCT>GCC; c.1455T>C, p.Ala485= (NM_000941.3); c.1446T>C, p.Ala482= (NM_001367562.3, NM_001382657.2, NM_001382658.3 and 1 more transcripts); c.1500T>C, p.Ala500= (NM_001382655.3); c.1296T>C, p.Ala432= (NM_001382662.3).
Identifiers: ClinVar variation 138790 (VCV000138790.24), dbSNP rs2228104, ClinGen allele CA292898.
Genomic context (GRCh38, chr7:75,985,635, plus strand): 5'-ACAGGTCCACCCCAACTCTGTGCACATCTGTGCGGTGGTTGTGGAGTACGAGACCAAGGC[T>C]GGCCGCATCAACAAGGGCGTGGCCACCAACTGGCTGCGGGCCAAGGAGCCTGCCGGGGAG-3'
Protein context (NP_001382342.1, residues 472-492): CAVVVEYETK[Ala482=]GRINKGVATN